The following is an entry in ClinVar:

NM_014629.4(ARHGEF10):c.1075+5G>T

Gene: ARHGEF10 (Rho guanine nucleotide exchange factor 10; plus strand). Cytogenetic location: 8p23.3.
Variant type: single nucleotide variant.
Coding change: c.1075+5G>T on transcript NM_014629.4 (MANE Select); 5 bases into the intron after coding-DNA position 1075, G replaced by T.
Molecular consequence: intron variant.
Genome position (GRCh38, 1-based): chr8:1,882,754, G>T. VCF-style: chr8-1882754-G-T. GRCh37 (hg19) VCF-style: chr8-1830920-G-T.
Other names: c.958+5G>T (NM_001438093.1); c.1078+5G>T (NM_001308153.3, NM_001438091.1); c.961+5G>T (NM_001438092.1, NM_001308152.2, NM_001438094.1).
Identifiers: ClinVar variation 1985672 (VCV001985672.4), dbSNP rs1275167797, ClinGen allele CA579291484.

ClinVar aggregate classification (germline): Uncertain significance (1 of 4 stars; one submission).

gnomAD v4.1: 13 of 1,546,736 alleles (0.00084%); highest among the groups gnomAD compares: Non-Finnish European, 0.0011%; no homozygotes.

Submission:

Labcorp Genetics (formerly Invitae), Labcorp
Classification: Uncertain significance. Last evaluated: 2021-12-18. Review status: criteria provided, single submitter. Criteria: Invitae Variant Classification Sherloc (09022015). Collection method: clinical testing. Allele origin: germline.
Comment: In summary, the available evidence is currently insufficient to determine the role of this variant in disease. Therefore, it has been classified as a Variant of Uncertain Significance. Variants that disrupt the consensus splice site are a relatively common cause of aberrant splicing (PMID: 17576681, 9536098). Algorithms developed to predict the effect of sequence changes on RNA splicing suggest that this variant may disrupt the consensus splice site. This variant has not been reported in the literature in individuals affected with ARHGEF10-related conditions. This variant is present in population databases (no rsID available, gnomAD 0.004%). This sequence change falls in intron 10 of the ARHGEF10 gene. It does not directly change the encoded amino acid sequence of the ARHGEF10 protein. It affects a nucleotide within the consensus splice site.

Literature cited by the submitters: PubMed 17576681; PubMed 9536098.